The following is an entry in ClinVar:

NM_000059.4(BRCA2):c.7731A>G (p.Lys2577=)

Gene: BRCA2 (BRCA2 DNA repair associated; plus strand). Cytogenetic location: 13q13.1.
Variant type: single nucleotide variant.
Coding change: c.7731A>G on transcript NM_000059.4 (MANE Select); coding-DNA position 7731, A replaced by G.
Protein change: p.Lys2577=; no amino-acid change (lysine 2577 retained).
Molecular consequence: synonymous variant. On other transcripts: non-coding transcript variant (1).
Genome position (GRCh38, 1-based): chr13:32,357,855, A>G. VCF-style: chr13-32357855-A-G. GRCh37 (hg19) VCF-style: chr13-32931992-A-G.
Other names: c.7635A>G, p.Lys2545= (NM_001406719.1); c.7731A>G, p.Lys2577= (NM_001406720.1); c.2799A>G, p.Lys933= (NM_001406721.1); c.1314A>G, p.Lys438= (NM_001406722.1).
Identifiers: ClinVar variation 2999964 (VCV002999964.3), dbSNP rs2137567171, ClinGen allele CA483439216.
Genomic context (GRCh38, chr13:32,357,855, plus strand): 5'-AGAGTCTTTTCAGTTTCACACTGAAGATTATTTTGGTAAGGAAAGTTTATGGACTGGAAA[A>G]GGAATACAGTTGGCTGATGGTGGATGGCTCATACCCTCCAATGATGGAAAGGCTGGAAAA-3'
Protein context (NP_000050.3, residues 2567-2587): YFGKESLWTG[Lys2577=]GIQLADGGWL

ClinVar aggregate classification (germline): Uncertain significance (1 of 4 stars; one submission).

Conditions:
Hereditary breast ovarian cancer syndrome. Also called: BRCA1- and BRCA2-Associated Hereditary Breast and Ovarian Cancer; Hereditary breast and ovarian cancer syndrome; Hereditary breast and/or ovarian cancer syndrome; Hereditary breast and ovarian cancer; Hereditary breast and ovarian cancer syndrome (HBOC); Breast and ovarian cancer. Identifiers: Orphanet 145, MedGen C0677776, MeSH D061325, MONDO:0003582. Disease mechanism: loss of function.

Submission:

Labcorp Genetics (formerly Invitae), Labcorp
Classification: Uncertain significance for Hereditary breast ovarian cancer syndrome. Last evaluated: 2023-06-27. Review status: criteria provided, single submitter. Criteria: Invitae Variant Classification Sherloc (09022015). Collection method: clinical testing. Allele origin: germline.
Comment: In summary, the available evidence is currently insufficient to determine the role of this variant in disease. Therefore, it has been classified as a Variant of Uncertain Significance. Algorithms developed to predict the effect of sequence changes on RNA splicing suggest that this variant may create or strengthen a splice site. This variant has not been reported in the literature in individuals affected with BRCA2-related conditions. This variant is not present in population databases (gnomAD no frequency). This sequence change affects codon 2577 of the BRCA2 mRNA. It is a 'silent' change, meaning that it does not change the encoded amino acid sequence of the BRCA2 protein.